The following is an entry in ClinVar:

NM_000709.4(BCKDHA):c.996-26A>G

Gene: BCKDHA (branched chain keto acid dehydrogenase E1 subunit alpha; plus strand). Cytogenetic location: 19q13.2.
Variant type: single nucleotide variant.
Coding change: c.996-26A>G on transcript NM_000709.4 (MANE Select); 26 bases into the intron before coding-DNA position 996, A replaced by G.
Molecular consequence: intron variant.
Genome position (GRCh38, 1-based): chr19:41,422,972, A>G. VCF-style: chr19-41422972-A-G. GRCh37 (hg19) VCF-style: chr19-41928877-A-G.
Other names: c.993-26A>G (NM_001164783.2).
Identifiers: ClinVar variation 1700433 (VCV001700433.8), dbSNP rs757986569, ClinGen allele CA9461348.

ClinVar aggregate classification (germline): Conflicting classifications of pathogenicity. Review status: criteria provided, conflicting classifications (1 of 4 stars). 5 submissions from 5 submitters: Likely pathogenic (2); Uncertain significance (3). Last evaluated 2024-06-15.

Conditions:
Maple syrup urine disease type 1A (MSUD1A). Also called: MSUD type 1A. Identifiers: MedGen C1855369, MONDO:0023691, OMIM 248600.
Maple syrup urine disease (MSUD). Identifiers: Orphanet 511, MedGen C0024776, MeSH D008375, MONDO:0009563. Disease mechanism: loss of function.

Allele frequency attached by ClinVar (database versions not stated): ExAC 0.00001; gnomAD exomes 0.00001; gnomAD 0.00003 and 0.00004; TOPMed 0.00003.
gnomAD v4.1: 25 of 1,603,140 alleles (0.0016%); highest among the groups gnomAD compares: African/African-American, 0.0027%; no homozygotes.

Submissions (5):

Fulgent Genetics
Classification: Likely pathogenic for Maple syrup urine disease type 1A. Last evaluated: 2024-06-15. Review status: criteria provided, single submitter. Criteria: ACMG Guidelines, 2015. Collection method: clinical testing. Allele origin: germline.

Women's Health and Genetics/Laboratory Corporation of America, LabCorp
Classification: Uncertain significance. Last evaluated: 2024-06-12. Review status: criteria provided, single submitter. Criteria: LabCorp Variant Classification Summary - May 2015. Collection method: clinical testing. Allele origin: germline.
Comment: Variant summary: BCKDHA c.996-26A>G is located at a position not widely known to affect splicing. Consensus agreement among computation tools predict no significant impact on normal splicing. However, these predictions have yet to be confirmed by functional studies. The variant allele was found at a frequency of 1.3e-05 in 231588 control chromosomes (gnomAD). The available data on variant occurrences in the general population are insufficient to allow any conclusion about variant significance. c.996-26A>G has been reported in the literature in individuals affected with Maple Syrup Urine Disease (Strauss_2020). These data indicate that the variant may be associated with disease. To our knowledge, no experimental evidence demonstrating an impact on protein function has been reported. The following publication has been ascertained in the context of this evaluation (PMID: 31980395). ClinVar contains an entry for this variant (Variation ID: 1700433). Based on the evidence outlined above, the variant was classified as uncertain significance.

Baylor Genetics
Classification: Likely pathogenic for Maple syrup urine disease type 1A. Last evaluated: 2024-02-15. Review status: criteria provided, single submitter. Criteria: ACMG Guidelines, 2015. Collection method: clinical testing. Allele origin: unknown.

Labcorp Genetics (formerly Invitae), Labcorp
Classification: Uncertain significance for Maple syrup urine disease. Last evaluated: 2022-04-13. Review status: criteria provided, single submitter. Criteria: Invitae Variant Classification Sherloc (09022015). Collection method: clinical testing. Allele origin: germline.
Comment: This sequence change falls in intron 7 of the BCKDHA gene. It does not directly change the encoded amino acid sequence of the BCKDHA protein. The frequency data for this variant in the population databases is considered unreliable, as metrics indicate poor data quality at this position in the gnomAD database. This variant has been observed in individuals with maple syrup urine disease (PMID: 31980395). Algorithms developed to predict the effect of sequence changes on RNA splicing suggest that this variant may create or strengthen a splice site. In summary, the available evidence is currently insufficient to determine the role of this variant in disease. Therefore, it has been classified as a Variant of Uncertain Significance.

GeneDx
Classification: Uncertain significance. Last evaluated: 2022-01-18. Review status: criteria provided, single submitter. Criteria: GeneDx Variant Classification Process June 2021. Collection method: clinical testing. Allele origin: germline. Affected: yes.
Comment: In silico analysis suggests this variant may impact gene splicing. In the absence of RNA/functional studies, the actual effect of this sequence change is unknown.; Not observed at significant frequency in large population cohorts (gnomAD); This variant is associated with the following publications: (PMID: 31980395)

Literature cited by the submitters: PubMed 31980395 (cited by Women's Health and Genetics/Laboratory Corporation of America, LabCorp and Labcorp Genetics (formerly Invitae), Labcorp).